The following is an entry in ClinVar:

ClinVar aggregate classification (germline): Conflicting classifications of pathogenicity. Review status: criteria provided, conflicting classifications (1 of 4 stars). 2 submissions from 2 submitters: Uncertain significance (1); Likely benign (1). Last evaluated 2024-11-15.

Conditions:
Hereditary cancer-predisposing syndrome. Also called: Neoplastic Syndromes, Hereditary; Tumor predisposition; Hereditary Cancer Syndrome; Hereditary neoplastic syndrome. Identifiers: Orphanet 140162, MedGen C0027672, MeSH D009386, MONDO:0015356.

Allele frequency attached by ClinVar (database versions not stated): gnomAD exomes below 0.00001.

Submissions (2):

Ambry Genetics
Classification: Likely benign for Hereditary cancer-predisposing syndrome. Last evaluated: 2024-11-15. Review status: criteria provided, single submitter. Criteria: Ambry Variant Classification Scheme 2023. Collection method: clinical testing. Allele origin: germline.

Color Diagnostics, LLC DBA Color Health
Classification: Uncertain significance for Hereditary cancer-predisposing syndrome. Last evaluated: 2019-11-18. Review status: criteria provided, single submitter. Criteria: ACMG Guidelines, 2015. Collection method: clinical testing. Allele origin: germline.
Comment: This missense variant replaces glutamic acid with glycine at codon 1800 of the ATM protein. Computational prediction tool suggests that this variant may not impact protein structure and function (internally defined REVEL score threshold ≤0.5, PMID: 27666373). Splice site prediction tools suggest that this variant may not impact RNA splicing. To our knowledge, functional studies have not been performed for this variant. This variant has not been reported in individuals affected with hereditary cancer in the literature. This variant has not been identified in the general population by the Genome Aggregation Database (gnomAD). The available evidence is insufficient to determine the role of this variant in disease conclusively. Therefore, this variant is classified as a Variant of Uncertain Significance.

NM_000051.4(ATM):c.5399A>G (p.Glu1800Gly)

Gene: ATM (ATM serine/threonine kinase; plus strand). Cytogenetic location: 11q22.3.
Variant type: single nucleotide variant.
Coding change: c.5399A>G on transcript NM_000051.4 (MANE Select); coding-DNA position 5399, A replaced by G.
Protein change: p.Glu1800Gly; replaces glutamic acid 1800 with glycine.
Molecular consequence: missense variant.
Genome position (GRCh38, 1-based): chr11:108,302,932, A>G. VCF-style: chr11-108302932-A-G. GRCh37 (hg19) VCF-style: chr11-108173659-A-G.
Other names: c.5399A>G, p.Glu1800Gly (NM_001351834.2); short protein forms E1800G.
Identifiers: ClinVar variation 921841 (VCV000921841.6), dbSNP rs2083502112, ClinGen allele CA382543731.